The following is an entry in ClinVar:

NM_005909.5(MAP1B):c.3670C>T (p.Arg1224Cys)

Gene: MAP1B (microtubule associated protein 1B; plus strand). Cytogenetic location: 5q13.2.
Variant type: single nucleotide variant.
Coding change: c.3670C>T on transcript NM_005909.5 (MANE Select); coding-DNA position 3670, C replaced by T.
Protein change: p.Arg1224Cys; replaces arginine 1224 with cysteine.
Molecular consequence: missense variant.
Genome position (GRCh38, 1-based): chr5:72,197,025, C>T. VCF-style: chr5-72197025-C-T. GRCh37 (hg19) VCF-style: chr5-71492852-C-T.
Other names: c.3292C>T, p.Arg1098Cys (NM_001324255.2); short protein forms R1098C, R1224C.
Identifiers: ClinVar variation 2210730 (VCV002210730.12), dbSNP rs777754669, ClinGen allele CA3299018.

ClinVar aggregate classification (germline): Likely benign. Review status: criteria provided, multiple submitters, no conflicts (2 of 4 stars). 2 submissions from 2 submitters: Likely benign (2). Last evaluated 2026-06-01.

Conditions:
Inborn genetic diseases. Identifiers: MedGen C0950123, MeSH D030342.

Allele frequency attached by ClinVar (database versions not stated): ExAC 0.00002; TOPMed 0.00005.
gnomAD v4.1: 146 of 1,614,052 alleles (0.009%); highest among the groups gnomAD compares: Non-Finnish European, 0.011%; no homozygotes.

Submissions (2):

CeGaT Center for Human Genetics Tuebingen
Classification: Likely benign. Last evaluated: 2026-06-01. Review status: criteria provided, single submitter. Criteria: CeGaT Center For Human Genetics Tuebingen Variant Classification Criteria Version 2. Collection method: clinical testing. Allele origin: germline. Affected: yes. Observed: 2 variant alleles.
Comment: MAP1B: BP4, BS2

Ambry Genetics
Classification: Likely benign for Inborn genetic diseases. Last evaluated: 2022-11-18. Review status: criteria provided, single submitter. Criteria: Ambry Variant Classification Scheme 2023. Collection method: clinical testing. Allele origin: germline.